The following is an entry in ClinVar:

NM_138694.4(PKHD1):c.2810G>A (p.Trp937Ter)

Gene: PKHD1 (PKHD1 ciliary IPT domain containing fibrocystin/polyductin; minus strand). Cytogenetic location: 6p12.2.
Variant type: single nucleotide variant.
Coding change: c.2810G>A on transcript NM_138694.4 (MANE Select); coding-DNA position 2810, G replaced by A.
Protein change: p.Trp937Ter; replaces tryptophan 937 with a stop codon.
Molecular consequence: nonsense.
Genome position (GRCh38, 1-based): chr6:52,043,636, C>T on the plus strand (G>A on the coding strand, the complement: PKHD1 is on the minus strand). VCF-style: chr6-52043636-C-T. GRCh37 (hg19) VCF-style: chr6-51908434-C-T.
Other names: c.2810G>A, p.Trp937Ter (NM_170724.3); short protein forms W937*.
Identifiers: ClinVar variation 189110 (VCV000189110.14), dbSNP rs786204707, ClinGen allele CA274389.

ClinVar aggregate classification (germline): Pathogenic/Likely pathogenic. Review status: criteria provided, multiple submitters, no conflicts (2 of 4 stars). 7 submissions from 6 submitters: Pathogenic (5); Likely pathogenic (1). 1 of the submissions does not count toward it. Last evaluated 2024-05-06.

Conditions:
Autosomal recessive polycystic kidney disease (ARPKD). Also called: AR polycystic kidney disease. Identifiers: Orphanet 731, Orphanet 8378, MedGen C0085548, MeSH D017044, MONDO:0009889.
Polycystic kidney disease 4 (PKD4). Also called: POLYCYSTIC KIDNEY DISEASE 4 WITH OR WITHOUT POLYCYSTIC LIVER DISEASE; PKD3; Autosomal Recessive Polycystic Kidney Disease – PKHD1; POLYCYSTIC KIDNEY AND HEPATIC DISEASE 1; POLYCYSTIC KIDNEY DISEASE, INFANTILE, TYPE I. Identifiers: MedGen C4540575, MONDO:0033004, OMIM 263200.
Polycystic kidney disease. Also called: Polycystic kidney dysplasia; Kidney, Polycystic. Identifiers: MedGen C0022680, MeSH D007690, MONDO:0020642, HP:0000113.
Renal cyst. Also called: cystic kidneys; Cystic kidney disease; Renal cysts. Identifiers: MedGen C3887499, MONDO:0002473, HP:0000107.
Ventricular hypertrophy. Identifiers: MedGen C0340279, HP:0001714.

Allele frequency attached by ClinVar (database versions not stated): gnomAD exomes below 0.00001.
gnomAD v4.1: 1 of 1,609,958 alleles (0.000062%); highest among the groups gnomAD compares: Non-Finnish European, 0.000085%; no homozygotes.

Submissions (7):

Natera, Inc.
Classification: Pathogenic for Autosomal recessive polycystic kidney disease. Last evaluated: 2024-05-06. Review status: criteria provided, single submitter. Criteria: Natera Variant Classification Schema (03/2026). Collection method: clinical testing. Allele origin: germline.
Comment: The c.2810G>A variant in PKHD1 is a nonsense variant predicted to introduce a stop codon at amino acid 937. This variant is expected to result in nonsense mediated decay, truncation, or a dysfunctional protein product. This variant is rare in the general population with a frequency below the threshold expected for the associated phenotype(s). This variant has been observed in one or more individuals affected with the associated recessive disease, as either homozygous or compound heterozygous with a second variant (PMID: 26695994, 12874454). Given the available evidence, this variant is classified as Pathogenic.

Laboratorio de Genetica e Diagnostico Molecular, Hospital Israelita Albert Einstein
Classification: Pathogenic for Polycystic kidney disease 4. Last evaluated: 2024-01-19. Review status: criteria provided, single submitter. Criteria: ACMG Guidelines, 2015. Collection method: clinical testing. Allele origin: germline. Affected: yes.
Comment: ACMG classification criteria: PVS1 very strong, PM2 supporting, PM3 supporting

Women's Health and Genetics/Laboratory Corporation of America, LabCorp
Classification: Likely pathogenic for Autosomal recessive polycystic kidney disease. Last evaluated: 2022-08-05. Review status: criteria provided, single submitter. Criteria: LabCorp Variant Classification Summary - May 2015. Collection method: clinical testing. Allele origin: germline.
Comment: Variant summary: PKHD1 c.2810G>A (p.Trp937X) results in a premature termination codon, predicted to cause a truncation of the encoded protein or absence of the protein due to nonsense mediated decay, which are commonly known mechanisms for disease. Truncations downstream of this position have been classified as pathogenic by our laboratory. The variant was absent in 251102 control chromosomes (gnomAD). c.2810G>A has been reported in the literature in individuals affected with Polycystic Kidney And Hepatic Disease, with at least two confirmed biallelic genotypes (e.g. Furu_2003, Obeidova_2015). These data indicate that the variant may be associated with disease. To our knowledge, no experimental evidence demonstrating an impact on protein function has been reported. Two ClinVar submitters have assessed the variant since 2014: both classified the variant as pathogenic. Based on the evidence outlined above, the variant was classified as likely pathogenic.

Labcorp Genetics (formerly Invitae), Labcorp
Classification: Pathogenic for Autosomal recessive polycystic kidney disease. Last evaluated: 2021-12-02. Review status: criteria provided, single submitter. Criteria: Invitae Variant Classification Sherloc (09022015). Collection method: clinical testing. Allele origin: germline.
Comment: Algorithms developed to predict the effect of sequence changes on RNA splicing suggest that this variant may create or strengthen a splice site. For these reasons, this variant has been classified as Pathogenic. This premature translational stop signal has been observed in individual(s) with polycystic kidney disease (PMID: 12874454). ClinVar contains an entry for this variant (Variation ID: 189110). This sequence change creates a premature translational stop signal (p.Trp937*) in the PKHD1 gene. It is expected to result in an absent or disrupted protein product. Loss-of-function variants in PKHD1 are known to be pathogenic (PMID: 19940839). This variant is not present in population databases (gnomAD no frequency).

Centre for Mendelian Genomics, University Medical Centre Ljubljana
Classification: Pathogenic for Polycystic kidney disease. Last evaluated: 2017-01-01. Review status: criteria provided, single submitter. Criteria: ACMG Guidelines, 2015. Collection method: clinical testing. Allele origin: unknown. Affected: yes.

Centre for Mendelian Genomics, University Medical Centre Ljubljana
Classification: Pathogenic for Polycystic kidney disease; Renal cyst; Ventricular hypertrophy. Last evaluated: 2014-08-21. Review status: criteria provided, single submitter. Criteria: ACMG Guidelines, 2015. Collection method: clinical testing. Allele origin: unknown. Affected: yes.

Counsyl
Classification: Likely pathogenic for Polycystic kidney disease, infantile type. Last evaluated: 2014-12-29. Review status: no assertion criteria provided. Collection method: literature only. Allele origin: unknown. Inheritance: Autosomal recessive inheritance. Not counted in ClinVar's aggregate classification.

Literature cited by the submitters: PubMed 26695994 (cited by Natera, Inc. and Women's Health and Genetics/Laboratory Corporation of America, LabCorp); PubMed 12874454 (cited by 4 submitters); PubMed 19940839 (cited by Labcorp Genetics (formerly Invitae), Labcorp).